The following is an entry in ClinVar:

NM_000632.4(ITGAM):c.2289+6T>A

Gene: ITGAM (integrin subunit alpha M; plus strand). Cytogenetic location: 16p11.2.
Variant type: single nucleotide variant.
Coding change: c.2289+6T>A on transcript NM_000632.4 (MANE Select); 6 bases into the intron after coding-DNA position 2289, T replaced by A.
Molecular consequence: intron variant.
Genome position (GRCh38, 1-based): chr16:31,324,788, T>A. VCF-style: chr16-31324788-T-A. GRCh37 (hg19) VCF-style: chr16-31336109-T-A.
Other names: c.2292+6T>A (NM_001145808.2).
Identifiers: ClinVar variation 1433415 (VCV001433415.6), dbSNP rs754991989, ClinGen allele CA8025775.

ClinVar aggregate classification (germline): Uncertain significance (1 of 4 stars; one submission).

Allele frequency attached by ClinVar (database versions not stated): gnomAD exomes 0.00002; ExAC 0.00003; gnomAD 0.00003 and 0.00004; TOPMed 0.00003.
gnomAD v4.1: 89 of 1,551,914 alleles (0.0057%); highest among the groups gnomAD compares: Middle Eastern, 0.017%; no homozygotes.

Submission:

Labcorp Genetics (formerly Invitae), Labcorp
Classification: Uncertain significance. Last evaluated: 2025-09-18. Review status: criteria provided, single submitter. Criteria: Invitae Variant Classification Sherloc (09022015). Collection method: clinical testing. Allele origin: germline.
Comment: This sequence change falls in intron 18 of the ITGAM gene. It does not directly change the encoded amino acid sequence of the ITGAM protein. It affects a nucleotide within the consensus splice site. This variant is present in population databases (rs754991989, gnomAD 0.005%). This variant has not been reported in the literature in individuals affected with ITGAM-related conditions. ClinVar contains an entry for this variant (Variation ID: 1433415). Variants that disrupt the consensus splice site are a relatively common cause of aberrant splicing (PMID: 17576681, 9536098). Algorithms developed to predict the effect of sequence changes on RNA splicing suggest that this variant may create or strengthen a splice site. In summary, the available evidence is currently insufficient to determine the role of this variant in disease. Therefore, it has been classified as a Variant of Uncertain Significance.

Literature cited by the submitters: PubMed 17576681; PubMed 9536098.